The following is an entry in ClinVar:

NM_022124.6(CDH23):c.2876C>T (p.Ala959Val)

Gene: CDH23 (cadherin related 23; plus strand). Cytogenetic location: 10q22.1.
Variant type: single nucleotide variant.
Coding change: c.2876C>T on transcript NM_022124.6 (MANE Select); coding-DNA position 2876, C replaced by T.
Protein change: p.Ala959Val; replaces alanine 959 with valine.
Molecular consequence: missense variant.
Genome position (GRCh38, 1-based): chr10:71,705,053, C>T. VCF-style: chr10-71705053-C-T. GRCh37 (hg19) VCF-style: chr10-73464810-C-T.
Other names: c.2876C>T, p.Ala959Val (NM_001171930.2, NM_001171931.2); short protein forms A959V.
Identifiers: ClinVar variation 228488 (VCV000228488.8), dbSNP rs779133533, ClinGen allele CA5544365.

ClinVar aggregate classification (germline): Uncertain significance. Review status: criteria provided, multiple submitters, no conflicts (2 of 4 stars). 3 submissions from 3 submitters: Uncertain significance (2). 1 of the submissions does not count toward it. Last evaluated 2022-08-09.

Conditions:
Usher syndrome type 1 (USH1). Also called: RETINITIS PIGMENTOSA AND CONGENITAL DEAFNESS. Identifiers: Orphanet 231169, Orphanet 886, MedGen C1568247, MONDO:0010168, OMIM 276900.

Allele frequency attached by ClinVar (database versions not stated): TOPMed 0.00002; ExAC 0.00003; gnomAD exomes 0.00004 and 0.00002; gnomAD 0.00004 and 0.00003.
gnomAD v4.1: 35 of 1,612,540 alleles (0.0022%); highest among the groups gnomAD compares: Middle Eastern, 0.016%; no homozygotes.

Submissions (3):

Labcorp Genetics (formerly Invitae), Labcorp
Classification: Uncertain significance. Last evaluated: 2022-08-09. Review status: criteria provided, single submitter. Criteria: Invitae Variant Classification Sherloc (09022015). Collection method: clinical testing. Allele origin: germline.
Comment: This sequence change replaces alanine, which is neutral and non-polar, with valine, which is neutral and non-polar, at codon 959 of the CDH23 protein (p.Ala959Val). This variant is present in population databases (rs779133533, gnomAD 0.01%). This variant has not been reported in the literature in individuals affected with CDH23-related conditions. ClinVar contains an entry for this variant (Variation ID: 228488). Algorithms developed to predict the effect of missense changes on protein structure and function are either unavailable or do not agree on the potential impact of this missense change (SIFT: "Deleterious"; PolyPhen-2: "Not Available"; Align-GVGD: "Class C0"). In summary, the available evidence is currently insufficient to determine the role of this variant in disease. Therefore, it has been classified as a Variant of Uncertain Significance.

Laboratory for Molecular Medicine, Mass General Brigham Personalized Medicine
Classification: Uncertain significance. Last evaluated: 2015-04-30. Review status: criteria provided, single submitter. Criteria: LMM Criteria. Collection method: clinical testing. Allele origin: germline. Observed: 1 variant allele.
Comment: The p.Ala959Val variant in CDH23 has not been previously reported in individuals with hearing loss, but has been identified in 2/63460 European chromosomes by t he Exome Aggregation Consortium (ExAC). Computat ional prediction tools and conservation analysis do not provide strong support f or or against an impact to the protein. In summary, the clinical significance of the p.Ala959Val variant is uncertain.

Natera, Inc.
Classification: Uncertain significance for Usher syndrome type 1. Last evaluated: 2020-04-15. Review status: no assertion criteria provided. Collection method: clinical testing. Allele origin: germline. Not counted in ClinVar's aggregate classification.